The following is an entry in ClinVar:

NM_000138.5(FBN1):c.3126del (p.Lys1043fs)

Gene: FBN1 (fibrillin 1; minus strand). Cytogenetic location: 15q21.1.
Variant type: Deletion.
Coding change: c.3126del on transcript NM_000138.5 (MANE Select); coding-DNA position 3126, one base deleted (C; older notation c.3126delC).
Protein change: p.Lys1043fs; shifts the reading frame from lysine 1043.
Molecular consequence: frameshift variant.
Genome position (GRCh38, 1-based): chr15:48,488,450, G deleted on the plus strand (C on the coding strand, the reverse complement: FBN1 is on the minus strand). VCF-style (leftmost placement, unchanged base first): chr15-48488449-TG-T. GRCh37 (hg19) VCF-style: chr15-48780646-TG-T.
Other names: c.3126delC, p.Lys1043Serfs (NM_001406716.1); short protein forms K1043fs.
Identifiers: ClinVar variation 1710062 (VCV001710062.2), dbSNP rs2505553681, ClinGen allele CA2580089671.

ClinVar aggregate classification (germline): Likely pathogenic (1 of 4 stars; one submission).

Conditions:
Marfan syndrome (MFS). Also called: Marfan's syndrome; Marfan syndrome, classic; MARFAN SYNDROME, TYPE I; Marfan syndrome type 1; FBN1-Related Marfan Syndrome. Identifiers: Orphanet 284963, Orphanet 558, MedGen C0024796, MONDO:0007947, OMIM 154700.

Submission:

MGZ Medical Genetics Center
Classification: Likely pathogenic for Marfan syndrome. Last evaluated: 2021-10-18. Review status: criteria provided, single submitter. Criteria: ACMG Guidelines, 2015. Collection method: clinical testing. Allele origin: germline. Affected: yes. Observed: 1 variant allele.
Comment: ACMG criteria applied: PVS1, PM2_SUP